The following is an entry in ClinVar:

ClinVar aggregate classification (germline): Conflicting classifications of pathogenicity. Review status: criteria provided, conflicting classifications (1 of 4 stars). 3 submissions from 3 submitters: Pathogenic (1); Uncertain significance (2). Last evaluated 2024-10-09.

Conditions:
Autosomal recessive titinopathy. Identifiers: MedGen CN315649, MONDO:0100493.
Dilated cardiomyopathy 1G (CMD1G). Identifiers: Orphanet 154, MedGen C1858763, MONDO:0011400, OMIM 604145.
Autosomal recessive limb-girdle muscular dystrophy type 2J (LGMDR10). Also called: MUSCULAR DYSTROPHY, LIMB-GIRDLE, AUTOSOMAL RECESSIVE 10; Limb-girdle muscular dystrophy, type 2J. Identifiers: Orphanet 140922, MedGen C1837342, MONDO:0012127, OMIM 608807.
Early-onset myopathy with fatal cardiomyopathy (CMYO5). Also called: CONGENITAL MYOPATHY 5 WITH CARDIOMYOPATHY; Salih Myopathy. Identifiers: Orphanet 289377, MedGen C2673677, MONDO:0012714, OMIM 611705. Disease mechanism: loss of function.

Submissions (3):

Victorian Clinical Genetics Services, Murdoch Childrens Research Institute
Classification: Pathogenic for Autosomal recessive titinopathy. Last evaluated: 2024-10-09. Review status: criteria provided, single submitter. Criteria: ACMG Guidelines, 2015. Collection method: clinical testing. Allele origin: germline. Inheritance: Autosomal recessive inheritance. Affected: yes.
Comment: Based on the classification scheme VCGS_Germline_v1.3.4, this variant is classified as Pathogenic. Following criteria are met: 0102 - Loss of function is known mechanism of disease in this gene. In addition, dominant-negative is also a suggested mechanism. (PMID: 25589632). (I) 0108 - This gene is associated with both recessive and dominant disease (OMIM). (I) 0112 - The condition associated with this gene has incomplete penetrance. Variants in this gene that result in a premature termination codon (PTC) are known to have reduced penetrance in DCM (PMID: 25589632). (I) 0201 - Variant is predicted to cause nonsense-mediated decay (NMD) and loss of protein (premature termination codon is located at least 54 nucleotides upstream of the final exon-exon junction). (SP) 0219 - This variant is non-coding in an alternative transcript. This variant is only coding in the meta-transcript (NM_001267550.1), and not in the cardiac (NM_003319.4) or skeletal muscle (NM_133378.4) transcripts. However recent literature has shown an association between variants only coding in the meta-transcript and autosomal recessive congenital titinopathy (PMID: 32778822). (I) 0251 - This variant is heterozygous. (I) 0301 - Variant is absent from gnomAD (both v2 and v3). (SP) 0701 - Other NMD-predicted variants comparable to the one identified in this case have very strong previous evidence for pathogenicity. At least ten other NMD-predicted variants in exons that are only coding in the meta-transcript have been reported as compound heterozygous or homozygous in over ten families with TTN-related congenital onset myopathy (ClinVar, PMID: 32778822, 29575618). (SP) 0808 - Previous reports of pathogenicity for this variant are conflicting. This variant was identified in trans with another NMD-predicted variant in this individual. (I) 0905 - No published segregation evidence has been identified for this variant. (I) 1007 - No published functional evidence has been identified for this variant. (I) 1208 - Inheritance information for this variant is not currently available in this individual. (I) Legend: (SP) - Supporting pathogenic, (I) - Information, (SB) - Supporting benign

Labcorp Genetics (formerly Invitae), Labcorp
Classification: Uncertain significance for Dilated cardiomyopathy 1G; Limb-girdle muscular dystrophy, type 2J. Last evaluated: 2019-07-18. Review status: criteria provided, single submitter. Criteria: Invitae Variant Classification Sherloc (09022015). Collection method: clinical testing. Allele origin: germline.
Comment: This sequence change results in a premature translational stop signal in the TTN gene (p.Lys12809Argfs*138). While this is not anticipated to result in nonsense mediated decay, it is expected to disrupt the TTN protein. While this variant is not present in population databases, the frequency information is unreliable, as metrics indicate poor data quality at this position in the ExAC database. This variant has not been reported in the literature in individuals with TTN-related disease. This variant is located in the I band of TTN (PMID: 25589632). Truncating variants in this region have been shown to be highly prevalent in the general population and unaffected individuals (PMID: 26701604, 22335739). However, truncating variants in this region have also been reported in individuals affected with autosomal recessive centronuclear myopathy (PMID: 23975875). In summary, the available evidence is currently insufficient to determine the role of this variant in disease. Therefore, it has been classified as a Variant of Uncertain Significance.

Institute of Human Genetics, University of Leipzig Medical Center
Classification: Uncertain significance for Early-onset myopathy with fatal cardiomyopathy. Last evaluated: 2019-01-01. Review status: criteria provided, single submitter. Criteria: ACMG Guidelines, 2015. Collection method: clinical testing. Allele origin: unknown. Affected: yes.

Literature cited by the submitters: PubMed 25589632 (cited by Victorian Clinical Genetics Services, Murdoch Childrens Research Institute and Labcorp Genetics (formerly Invitae), Labcorp); PubMed 29575618 (cited by Victorian Clinical Genetics Services, Murdoch Childrens Research Institute); PubMed 32778822 (cited by Victorian Clinical Genetics Services, Murdoch Childrens Research Institute); PubMed 22335739 (cited by Labcorp Genetics (formerly Invitae), Labcorp); PubMed 23975875 (cited by Labcorp Genetics (formerly Invitae), Labcorp); PubMed 26701604 (cited by Labcorp Genetics (formerly Invitae), Labcorp).

NM_001267550.2(TTN):c.38424del (p.Lys12809fs)

Gene: TTN (titin; minus strand). Cytogenetic location: 2q31.2.
Variant type: Deletion.
Coding change: c.38424del on transcript NM_001267550.2 (MANE Select); coding-DNA position 38424, one base deleted (C; older notation c.38424delC).
Protein change: p.Lys12809fs; shifts the reading frame from lysine 12809.
Molecular consequence: frameshift variant. On other transcripts: intron variant (5).
Genome position (GRCh38, 1-based): chr2:178,654,052, G deleted on the plus strand (C on the coding strand, the reverse complement: TTN is on the minus strand); the first of 3 consecutive G bases (chr2:178,654,052-178,654,054); deleting any one gives the same sequence. VCF-style (leftmost placement, unchanged base first): chr2-178654051-TG-T. GRCh37 (hg19) VCF-style: chr2-179518778-TG-T.
Other names: c.13283-11735del (NM_003319.4); c.13859-11735del (NM_133437.4); c.13658-11735del (NM_133432.3); c.31742-1511del (NM_133378.4); c.34523-1511del (NM_001256850.1); c.38424delC (NM_001267550.2, NM_001267550.1); short protein forms K12809fs.
Identifiers: ClinVar variation 535020 (VCV000535020.4), dbSNP rs1553775991, ClinGen allele CA658796089.
Genomic context (GRCh38, chr2:178,654,051, plus strand): 5'-TAAGGTTGAGCTGACATGTACCTGTAACTGCGGGGGCTTCTGGTTTTTTGATTGGTGCCT[TG>T]GGAATTTTCTTTTCTGGGACAACTTCTTGAGCAGCTTCAGGCACTTGAAAGATATTAGTA-3'